The following is an entry in ClinVar:

NM_001195272.2(TEX13C):c.1526T>C (p.Leu509Pro)

Gene: TEX13C (TEX13 family member C; plus strand). Cytogenetic location: Xq25.
Variant type: single nucleotide variant.
Coding change: c.1526T>C on transcript NM_001195272.2 (MANE Select); coding-DNA position 1526, T replaced by C.
Protein change: p.Leu509Pro; replaces leucine 509 with proline.
Molecular consequence: missense variant.
Genome position (GRCh38, 1-based): chrX:125,321,645, T>C. VCF-style: chrX-125321645-T-C. GRCh37 (hg19) VCF-style: chrX-124455494-T-C.
Other names: short protein forms L509P.
Identifiers: ClinVar variation 2661374 (VCV002661374.24), dbSNP rs779113406, ClinGen allele CA10510600.
Genomic context (GRCh38, chrX:125,321,645, plus strand): 5'-TGATGCCCAAGGAGATGGTCCCCCTGGGGGAAAGCCACAGCCACAGCCTGAAGAAAGATC[T>C]AGTTGTGCCCAAGGAGCTGGTCCCCCTGGGGGACAGCAAGAGTCACAGGATGAAGAAAGA-3'
Protein context (NP_001182201.1, residues 499-519): ESHSHSLKKD[Leu509Pro]VVPKELVPLG

ClinVar aggregate classification (germline): Likely benign (1 of 4 stars; one submission).

Allele frequency attached by ClinVar (database versions not stated): ExAC 0.00012; 1000 Genomes Project 0.00106; 1000 Genomes Project 30x 0.00187; gnomAD 0.00261.

Submission:

CeGaT Center for Human Genetics Tuebingen
Classification: Likely benign. Last evaluated: 2024-06-01. Review status: criteria provided, single submitter. Criteria: CeGaT Center For Human Genetics Tuebingen Variant Classification Criteria Version 2. Collection method: clinical testing. Allele origin: germline. Affected: yes. Observed: 4 variant alleles.
Comment: TEX13C: BP4, BS2